The following is an entry in ClinVar:

NM_001378120.1(MBD5):c.5104T>C (p.Ser1702Pro)

Gene: MBD5 (methyl-CpG binding domain protein 5; plus strand). Cytogenetic location: 2q23.1.
Variant type: single nucleotide variant.
Coding change: c.5104T>C on transcript NM_001378120.1 (MANE Select); coding-DNA position 5104, T replaced by C.
Protein change: p.Ser1702Pro; replaces serine 1702 with proline.
Molecular consequence: missense variant.
Genome position (GRCh38, 1-based): chr2:148,510,127, T>C. VCF-style: chr2-148510127-T-C. GRCh37 (hg19) VCF-style: chr2-149267696-T-C.
Other names: c.4405T>C, p.Ser1469Pro (NM_018328.5); short protein forms S1469P, S1702P.
Identifiers: ClinVar variation 429276 (VCV000429276.12), dbSNP rs1131691294, ClinGen allele CA348859301.

ClinVar aggregate classification (germline): Uncertain significance. Review status: criteria provided, multiple submitters, no conflicts (2 of 4 stars). 2 submissions from 2 submitters: Uncertain significance (2). Last evaluated 2020-01-01.

Conditions:
Intellectual developmental disorder, autosomal dominant 1. Also called: MBD5 Haploinsufficiency; Intellectual disability, autosomal dominant 1. Identifiers: Orphanet 228402, MedGen C1969562, MONDO:0007974, OMIM 156200.

Allele frequency attached by ClinVar (database versions not stated): gnomAD exomes below 0.00001.
gnomAD v4.1: 3 of 1,606,744 alleles (0.00019%); highest among the groups gnomAD compares: Non-Finnish European, 0.00026%; no homozygotes.

Submissions (2):

Labcorp Genetics (formerly Invitae), Labcorp
Classification: Uncertain significance for Intellectual developmental disorder, autosomal dominant 1. Last evaluated: 2020-01-01. Review status: criteria provided, single submitter. Criteria: Invitae Variant Classification Sherloc (09022015). Collection method: clinical testing. Allele origin: germline.
Comment: This sequence change replaces serine with proline at codon 1469 of the MBD5 protein (p.Ser1469Pro). The serine residue is highly conserved and there is a moderate physicochemical difference between serine and proline. This variant is not present in population databases (ExAC no frequency). This variant has not been reported in the literature in individuals with MBD5-related conditions. ClinVar contains an entry for this variant (Variation ID: 429276). In summary, the available evidence is currently insufficient to determine the role of this variant in disease. Therefore, it has been classified as a Variant of Uncertain Significance.

GeneDx
Classification: Uncertain significance. Last evaluated: 2017-05-04. Review status: criteria provided, single submitter. Criteria: GeneDx Variant Classification (06012015). Collection method: clinical testing. Allele origin: germline. Affected: yes.
Comment: The S1469P variant in the MBD5 gene has not been reported previously as a pathogenic variant, nor as a benign variant, to our knowledge. The S1469P variant is not observed in large population cohorts (Lek et al., 2016; 1000 Genomes Consortium et al., 2015; Exome Variant Server). The S1469P variant is a non-conservative amino acid substitution, which is likely to impact secondary protein structure as these residues differ in polarity, charge, size and/or other properties. This substitution occurs at a position that is conserved across species. In silico analysis is inconsistent in its predictions as to whether or not the variant is damaging to the protein structure/function. We interpret S1469P as a variant of uncertain significance.